The following is an entry in ClinVar:

NM_005866.4(SIGMAR1):c.631C>T (p.Arg211Trp)

Gene: SIGMAR1 (sigma receptor chaperone 1; minus strand). Cytogenetic location: 9p13.3.
Variant type: single nucleotide variant.
Coding change: c.631C>T on transcript NM_005866.4 (MANE Select); coding-DNA position 631, C replaced by T.
Protein change: p.Arg211Trp; replaces arginine 211 with tryptophan.
Molecular consequence: missense variant. On other transcripts: 3 prime UTR variant (2), non-coding transcript variant (1), intron variant (1).
Genome position (GRCh38, 1-based): chr9:34,635,673, G>A on the plus strand (C>T on the coding strand, the complement: SIGMAR1 is on the minus strand). VCF-style: chr9-34635673-G-A. GRCh37 (hg19) VCF-style: chr9-34635670-G-A.
Other names: c.631C>T (NM_005866.3); c.331C>T, p.Arg111Trp (NM_001282206.2); c.571C>T, p.Arg191Trp (NM_001282207.2); c.*174C>T (NM_001282208.2); c.*158C>T (NM_001282209.2); c.538C>T, p.Arg180Trp (NM_147157.3); c.446-33C>T (NM_001282205.2); short protein forms R111W, R180W, R191W, R211W.
Identifiers: ClinVar variation 1054779 (VCV001054779.8), dbSNP rs777843655, ClinGen allele CA5035820.

ClinVar aggregate classification (germline): Uncertain significance. Review status: criteria provided, multiple submitters, no conflicts (2 of 4 stars). 2 submissions from 2 submitters: Uncertain significance (2). Last evaluated 2026-06-16.

Conditions:
SIGMAR1-related disorder. Also called: SIGMAR1-related condition.
Autosomal recessive distal spinal muscular atrophy 2. Also called: NEURONOPATHY, DISTAL HEREDITARY MOTOR, JERASH TYPE; NEUROPATHY, DISTAL HEREDITARY MOTOR, JERASH TYPE; SPINAL MUSCULAR ATROPHY, JERASH TYPE; NEUROPATHY, DISTAL HEREDITARY MOTOR, AUTOSOMAL RECESSIVE 2; Hereditary motor neuropathy, Jerash type; Motor neuropathy, distal, Jerash type. Identifiers: Orphanet 139552, MedGen C1854023, MONDO:0011585, OMIM 605726.
Amyotrophic lateral sclerosis type 16. Also called: AMYOTROPHIC LATERAL SCLEROSIS 16, JUVENILE. Identifiers: Orphanet 300605, MedGen C3280587, MONDO:0013715, OMIM 614373.

Allele frequency attached by ClinVar (database versions not stated): gnomAD exomes below 0.00001 and 0.00001; ExAC 0.00001; gnomAD 0.00003; TOPMed 0.00006.

Submissions (2):

PreventionGenetics, part of Exact Sciences
Classification: Uncertain significance for SIGMAR1-related condition. Last evaluated: 2026-06-16. Review status: criteria provided, single submitter. Criteria: ACMG Guidelines, 2015. Collection method: clinical testing. Allele origin: germline.
Comment: The SIGMAR1 c.631C>T variant is predicted to result in the amino acid substitution p.Arg211Trp. To our knowledge, this variant has not been reported in the literature. This variant is reported in 0.0040% of alleles in individuals of African descent in gnomAD. At this time, the clinical significance of this variant is uncertain due to the absence of conclusive functional and genetic evidence.

Labcorp Genetics (formerly Invitae), Labcorp
Classification: Uncertain significance for Autosomal recessive distal spinal muscular atrophy 2; Amyotrophic lateral sclerosis type 16. Last evaluated: 2023-10-13. Review status: criteria provided, single submitter. Criteria: Invitae Variant Classification Sherloc (09022015). Collection method: clinical testing. Allele origin: germline.
Comment: This sequence change replaces arginine, which is basic and polar, with tryptophan, which is neutral and slightly polar, at codon 211 of the SIGMAR1 protein (p.Arg211Trp). This variant is present in population databases (rs777843655, gnomAD 0.004%). This variant has not been reported in the literature in individuals affected with SIGMAR1-related conditions. ClinVar contains an entry for this variant (Variation ID: 1054779). An algorithm developed to predict the effect of missense changes on protein structure and function (PolyPhen-2) suggests that this variant¬†is likely to be tolerated. In summary, the available evidence is currently insufficient to determine the role of this variant in disease. Therefore, it has been classified as a Variant of Uncertain Significance.